The following is an entry in ClinVar:

NM_003738.5(PTCH2):c.2625G>C (p.Gln875His)

Gene: PTCH2 (patched 2; minus strand). Cytogenetic location: 1p34.1.
Variant type: single nucleotide variant.
Coding change: c.2625G>C on transcript NM_003738.5 (MANE Select); coding-DNA position 2625, G replaced by C.
Protein change: p.Gln875His; replaces glutamine 875 with histidine.
Molecular consequence: missense variant.
Genome position (GRCh38, 1-based): chr1:44,826,972, C>G on the plus strand (G>C on the coding strand, the complement: PTCH2 is on the minus strand). VCF-style: chr1-44826972-C-G. GRCh37 (hg19) VCF-style: chr1-45292644-C-G.
Other names: c.2625G>C, p.Gln875His (NM_001166292.2); short protein forms Q875H.
Identifiers: ClinVar variation 4146919 (VCV004146919.2).
Genomic context (GRCh38, chr1:44,826,972, plus strand): 5'-CTCCCCCGTGGTGTCGTATTTGTCGTGCAGCCATTCAGGAGGTGGGGGGTAGAAGTTGGC[C>G]TGTGAGGCTGCCAGACCCAGGGGGTCACTGCTCACCCACACGGTCAGCCCCATGTAGAAG-3'
Protein context (NP_003729.3, residues 865-885): SSDPLGLAAS[Gln875His]ANFYPPPPEW

ClinVar aggregate classification (germline): Uncertain significance. Review status: criteria provided, multiple submitters, no conflicts (2 of 4 stars). 2 submissions from 2 submitters: Uncertain significance (2). Last evaluated 2026-10-01.

Conditions:
Basal cell nevus syndrome 1 (BCNS1). Also called: GORLIN-GOLTZ SYNDROME; MULTIPLE BASAL CELL NEVI, ODONTOGENIC KERATOCYSTS, AND SKELETAL ANOMALIES. Identifiers: MedGen CN376810, MONDO:0958174, OMIM 109400.

Submissions (2):

St. Jude Molecular Pathology, St. Jude Children's Research Hospital
Classification: Uncertain significance for Basal cell nevus syndrome 1. Last evaluated: 2026-10-01. Review status: criteria provided, single submitter. Criteria: St. Jude Assertion Criteria 2020. Collection method: clinical testing. Allele origin: germline.
Comment: The PTCH2 c.2625G>C p.(Gln875His) missense change is absent in gnomAD v2.1.1. The in silico tool REVEL predicts a deleterious effect on pro tein function, but to our knowledge this prediction has not been confirmed by functional studies. To our knowledge, this variant has not been reported in individuals with nevoid basal cell carcinoma syndrome. In summary, the evidence currently available is insufficient to determine the clinical significance of this variant. It has therefore been classified as of uncertain significance.

Ambry Genetics
Classification: Uncertain significance. Last evaluated: 2025-09-05. Review status: criteria provided, single submitter. Criteria: Ambry Variant Classification Scheme 2023. Collection method: clinical testing. Allele origin: germline.